The following is an entry in ClinVar:

ClinVar aggregate classification (germline): Uncertain significance. Review status: criteria provided, multiple submitters, no conflicts (2 of 4 stars). 4 submissions from 4 submitters: Uncertain significance (4). Last evaluated 2025-09-18.

Conditions:
Inborn genetic diseases. Identifiers: MedGen C0950123, MeSH D030342.
Congenital myasthenic syndrome 8. Also called: MYASTHENIC SYNDROME, CONGENITAL, DUE TO AGRIN DEFICIENCY; Myasthenic syndrome, congenital, 8, with pre- and postsynaptic defects. Identifiers: Orphanet 590, MedGen C3808739, MONDO:0014052, OMIM 615120.

Allele frequency attached by ClinVar (database versions not stated): gnomAD 0.00003; TOPMed 0.00003; gnomAD exomes 0.00005 and 0.00006; ExAC 0.00009; 1000 Genomes Project 30x 0.00016.

Submissions (4):

Athena Diagnostics
Classification: Uncertain significance. Last evaluated: 2025-09-18. Review status: criteria provided, single submitter. Criteria: Athena Diagnostics Criteria. Collection method: clinical testing. Allele origin: unknown.
Comment: Available data are insufficient to determine the clinical significance of the variant at this time. The frequency of this variant in the general population is uninformative in assessment of its pathogenicity. Polyphen and MutationTaster predict this amino acid change may be benign.

Mayo Clinic Laboratories, Mayo Clinic
Classification: Uncertain significance. Last evaluated: 2024-06-14. Review status: criteria provided, single submitter. Criteria: ACMG Guidelines, 2015. Collection method: clinical testing. Allele origin: germline. Observed: 1 variant allele.
Comment: BP4

Ambry Genetics
Classification: Uncertain significance for Inborn genetic diseases. Last evaluated: 2023-05-17. Review status: criteria provided, single submitter. Criteria: Ambry Variant Classification Scheme 2023. Collection method: clinical testing. Allele origin: germline.

Labcorp Genetics (formerly Invitae), Labcorp
Classification: Uncertain significance for Congenital myasthenic syndrome 8. Last evaluated: 2022-09-01. Review status: criteria provided, single submitter. Criteria: Invitae Variant Classification Sherloc (09022015). Collection method: clinical testing. Allele origin: germline.
Comment: This sequence change replaces valine, which is neutral and non-polar, with isoleucine, which is neutral and non-polar, at codon 1581 of the AGRN protein (p.Val1581Ile). This variant is present in population databases (rs376043332, gnomAD 0.01%). This variant has not been reported in the literature in individuals affected with AGRN-related conditions. ClinVar contains an entry for this variant (Variation ID: 661322). Algorithms developed to predict the effect of missense changes on protein structure and function are either unavailable or do not agree on the potential impact of this missense change (SIFT: "Tolerated"; PolyPhen-2: "Possibly Damaging"; Align-GVGD: "Class C0"). In summary, the available evidence is currently insufficient to determine the role of this variant in disease. Therefore, it has been classified as a Variant of Uncertain Significance.

NM_198576.4(AGRN):c.4741G>A (p.Val1581Ile)

Gene: AGRN (agrin; plus strand). Cytogenetic location: 1p36.33.
Variant type: single nucleotide variant.
Coding change: c.4741G>A on transcript NM_198576.4 (MANE Select); coding-DNA position 4741, G replaced by A.
Protein change: p.Val1581Ile; replaces valine 1581 with isoleucine.
Molecular consequence: missense variant.
Genome position (GRCh38, 1-based): chr1:1,049,792, G>A. VCF-style: chr1-1049792-G-A. GRCh37 (hg19) VCF-style: chr1-985172-G-A.
Other names: p.Val1581Ile; c.4741G>A, p.Val1581Ile (NM_001305275.2); c.4426G>A, p.Val1476Ile (NM_001364727.2); c.4741G>A (NM_198576.2); short protein forms V1476I, V1581I.
Identifiers: ClinVar variation 661322 (VCV000661322.9), dbSNP rs376043332, ClinGen allele CA509585.